The following is an entry in ClinVar:

ClinVar aggregate classification (germline): Pathogenic (1 of 4 stars; one submission).

Conditions:
Breast-ovarian cancer, familial, susceptibility to, 1 (BROVCA1). Also called: BRCA1 Hereditary Breast and Ovarian Cancer; OVARIAN CANCER, SUSCEPTIBILITY TO. Identifiers: Orphanet 145, MedGen C2676676, MONDO:0011450, OMIM 604370. Disease mechanism: loss of function.

Submission:

Myriad Genetics, Inc.
Classification: Pathogenic for Breast-ovarian cancer, familial, susceptibility to, 1. Last evaluated: 2025-04-04. Review status: criteria provided, single submitter. Criteria: Myriad Autosomal Dominant, Autosomal Recessive and X-Linked Classification Criteria (2023). Collection method: clinical testing. Allele origin: unknown.
Comment: This variant is considered pathogenic. This variant creates a frameshift predicted to result in premature protein truncation.

NM_007294.4(BRCA1):c.4859del (p.Thr1620fs)

Gene: BRCA1 (BRCA1 DNA repair associated; minus strand). Cytogenetic location: 17q21.31.
Variant type: Deletion.
Coding change: c.4859del on transcript NM_007294.4 (MANE Select); coding-DNA position 4859, one base deleted (C; older notation c.4859delC).
Protein change: p.Thr1620fs; shifts the reading frame from threonine 1620.
Molecular consequence: frameshift variant. On other transcripts: intron variant (1).
Genome position (GRCh38, 1-based): chr17:43,071,055, G deleted on the plus strand (C on the coding strand, the reverse complement: BRCA1 is on the minus strand). VCF-style (leftmost placement, unchanged base first): chr17-43071054-AG-A. GRCh37 (hg19) VCF-style: chr17-41223071-AG-A.
Other names: c.1544del, p.Thr515fs (NM_001408402.1, NM_001408403.1, NM_001408404.1 and 8 more transcripts); c.4715del, p.Thr1572fs (NM_001407733.1, NM_001407734.1, NM_001407735.1 and 21 more transcripts); c.4712del, p.Thr1571fs (NM_001407838.1, NM_001407839.1, NM_001407841.1 and 12 more transcripts); c.4859del, p.Thr1620fs (NM_001407854.1, NM_001407593.1, NM_001407594.1 and 8 more transcripts); c.1616del, p.Thr539fs (NM_001407971.1, NM_001407970.1); c.1613del, p.Thr538fs (NM_001407972.1); c.1550del, p.Thr517fs (NM_001407973.1, NM_001407974.1, NM_001407975.1 and 3 more transcripts); c.1547del, p.Thr516fs (NM_001407979.1, NM_001407980.1, NM_001407981.1 and 12 more transcripts); and 71 more; short protein forms T1323fs, T1324fs, T1451fs, T1466fs, T1491fs, T1492fs, T1493fs, T1507fs.
Identifiers: ClinVar variation 4071363 (VCV004071363.1).
Genomic context (GRCh38, chr17:43,071,054, plus strand): 5'-TGTCAATTCTGGCTTCTCCCTGCTCACACTTTCTTCCATTGCATTATACCCAGCAGTATC[AG>A]TAGTATGAGCAGCAGCTGGACTCTGGGCAGATTCTGCAACTTTCAATTGGGGAACTTTCA-3'